The following is an entry in ClinVar:

ClinVar aggregate classification (germline): Pathogenic/Likely pathogenic. Review status: criteria provided, multiple submitters, no conflicts (2 of 4 stars). 2 submissions from 2 submitters: Pathogenic (1); Likely pathogenic (1). Last evaluated 2023-04-19.

Conditions:
Familial hemophagocytic lymphohistiocytosis 3 (FHL3). Also called: UNC13D-Related Familial Hemophagocytic Lymphohistiocytosis (UNC13D-fHLH). Identifiers: Orphanet 540, MedGen C1837174, MONDO:0012146, OMIM 608898.

Allele frequency attached by ClinVar (database versions not stated): gnomAD exomes below 0.00001 and 0.00001; gnomAD 0.00001; TOPMed 0.00001; ExAC 0.00004.
gnomAD v4.1: 3 of 1,581,694 alleles (0.00019%); highest among the groups gnomAD compares: Admixed American, 0.0018%; no homozygotes.

Submissions (2):

Labcorp Genetics (formerly Invitae), Labcorp
Classification: Pathogenic for Familial hemophagocytic lymphohistiocytosis 3. Last evaluated: 2023-04-19. Review status: criteria provided, single submitter. Criteria: Invitae Variant Classification Sherloc (09022015). Collection method: clinical testing. Allele origin: germline.
Comment: For these reasons, this variant has been classified as Pathogenic. ClinVar contains an entry for this variant (Variation ID: 944891). This premature translational stop signal has been observed in individual(s) with familial hemophagocytic lymphohistiocytosis (PMID: 21248318, 29665027). This variant is not present in population databases (gnomAD no frequency). This sequence change creates a premature translational stop signal (p.Gln738*) in the UNC13D gene. It is expected to result in an absent or disrupted protein product. Loss-of-function variants in UNC13D are known to be pathogenic (PMID: 14622600).

Laboratorio de Genetica e Diagnostico Molecular, Hospital Israelita Albert Einstein
Classification: Likely pathogenic. Last evaluated: 2020-04-24. Review status: criteria provided, single submitter. Criteria: ACMG Guidelines, 2015. Collection method: clinical testing. Allele origin: germline. Affected: yes.
Comment: ACMG classification criteria: PVS1, PM2

Literature cited by the submitters: PubMed 21248318 (cited by Labcorp Genetics (formerly Invitae), Labcorp); PubMed 29665027 (cited by Labcorp Genetics (formerly Invitae), Labcorp); PubMed 14622600 (cited by Labcorp Genetics (formerly Invitae), Labcorp).

NM_199242.3(UNC13D):c.2212C>T (p.Gln738Ter)

Gene: UNC13D (unc-13 homolog D; minus strand). Cytogenetic location: 17q25.1.
Variant type: single nucleotide variant.
Coding change: c.2212C>T on transcript NM_199242.3 (MANE Select); coding-DNA position 2212, C replaced by T.
Protein change: p.Gln738Ter; replaces glutamine 738 with a stop codon.
Molecular consequence: nonsense.
Genome position (GRCh38, 1-based): chr17:75,834,411, G>A on the plus strand (C>T on the coding strand, the complement: UNC13D is on the minus strand). VCF-style: chr17-75834411-G-A. GRCh37 (hg19) VCF-style: chr17-73830492-G-A.
Other names: short protein forms Q738*.
Identifiers: ClinVar variation 944891 (VCV000944891.12), dbSNP rs764507196, ClinGen allele CA8772642.
Genomic context (GRCh38, chr17:75,834,411, plus strand): 5'-TGCGGATCTCATGGCCCAGCCCGGCCAGCGCGCTCTGCAGCTGGGCATGCAGCGTGTTCT[G>A]CAGCTGCCCCTGCTCCAGCACGGCCCCTACCCGCTGCTCCAGGGCCTCCCATGCCAGCTG-3'